The following is an entry in ClinVar:

ClinVar aggregate classification (germline): Uncertain significance. Review status: criteria provided, multiple submitters, no conflicts (2 of 4 stars). 3 submissions from 3 submitters: Uncertain significance (3). Last evaluated 2025-06-30.

Conditions:
Inborn genetic diseases. Identifiers: MedGen C0950123, MeSH D030342.
Intellectual developmental disorder with cardiac defects and dysmorphic facies (IDDCDF). Identifiers: Orphanet 562569, MedGen C5193024, MONDO:0032672, OMIM 618316.

Allele frequency attached by ClinVar (database versions not stated): ExAC 0.00006; gnomAD 0.00011; TOPMed 0.00011; 1000 Genomes Project 30x 0.00016; 1000 Genomes Project 0.00020.
gnomAD v4.1: 46 of 1,614,206 alleles (0.0028%); highest among the groups gnomAD compares: African/African-American, 0.032%; no homozygotes.

Submissions (3):

Ambry Genetics
Classification: Uncertain significance for Inborn genetic diseases. Last evaluated: 2025-06-30. Review status: criteria provided, single submitter. Criteria: Ambry Variant Classification Scheme 2023. Collection method: clinical testing. Allele origin: germline.

GeneDx
Classification: Uncertain significance. Last evaluated: 2024-01-17. Review status: criteria provided, single submitter. Criteria: GeneDx Variant Classification Process June 2021. Collection method: clinical testing. Allele origin: germline. Affected: yes.
Comment: In silico analysis supports that this missense variant has a deleterious effect on protein structure/function; Has not been previously published as pathogenic or benign to our knowledge

Baylor Genetics
Classification: Uncertain significance for Intellectual developmental disorder with cardiac defects and dysmorphic facies. Last evaluated: 2022-10-10. Review status: criteria provided, single submitter. Criteria: ACMG Guidelines, 2015. Collection method: clinical testing. Allele origin: unknown.

NM_014738.6(TMEM94):c.352C>T (p.Arg118Trp)

Gene: TMEM94 (transmembrane protein 94; plus strand). Cytogenetic location: 17q25.1.
Variant type: single nucleotide variant.
Coding change: c.352C>T on transcript NM_014738.6 (MANE Select); coding-DNA position 352, C replaced by T.
Protein change: p.Arg118Trp; replaces arginine 118 with tryptophan.
Molecular consequence: missense variant.
Genome position (GRCh38, 1-based): chr17:75,486,369, C>T. VCF-style: chr17-75486369-C-T. GRCh37 (hg19) VCF-style: chr17-73482450-C-T.
Other names: c.352C>T (NM_014738.4, NM_014738.5); c.382C>T, p.Arg128Trp (NM_001321148.2, NM_001351203.2); c.352C>T, p.Arg118Trp (NM_001321149.2, NM_001351202.2); short protein forms R118W, R128W.
Identifiers: ClinVar variation 2441731 (VCV002441731.5), dbSNP rs563451589, ClinGen allele CA8761433.